The following is an entry in ClinVar:

NM_024915.4(GRHL2):c.558C>G (p.Ile186Met)

Gene: GRHL2 (grainyhead like transcription factor 2; plus strand). Cytogenetic location: 8q22.3.
Variant type: single nucleotide variant.
Coding change: c.558C>G on transcript NM_024915.4 (MANE Select); coding-DNA position 558, C replaced by G.
Protein change: p.Ile186Met; replaces isoleucine 186 with methionine.
Molecular consequence: missense variant.
Genome position (GRCh38, 1-based): chr8:101,558,692, C>G. VCF-style: chr8-101558692-C-G. GRCh37 (hg19) VCF-style: chr8-102570920-C-G.
Other names: c.510C>G, p.Ile170Met (NM_001330593.2); short protein forms I170M, I186M.
Identifiers: ClinVar variation 3731507 (VCV003731507.1).
Genomic context (GRCh38, chr8:101,558,692, plus strand): 5'-TTTCATGGCCCCACCTGTGCACTATCCCCGGGGAGATGGGGAAGAGCAACGAGTGGTTAT[C>G]TTTGAACAGACTCAGTATGACGTGCCCTCGCTGGCCACCCACAGCGCCTATCTCAAAGAC-3'
Protein context (NP_079191.2, residues 176-196): RGDGEEQRVV[Ile186Met]FEQTQYDVPS

ClinVar aggregate classification (germline): Uncertain significance (1 of 4 stars; one submission).

Conditions:
Autosomal dominant nonsyndromic hearing loss 28. Identifiers: Orphanet 90635, MedGen C1837640, MONDO:0012083, OMIM 608641.

gnomAD v4.1: 3 of 1,614,072 alleles (0.00019%); highest among the groups gnomAD compares: Admixed American, 0.0017%; no homozygotes.

Submission:

Neuberg Centre For Genomic Medicine, NCGM
Classification: Uncertain significance for Autosomal dominant nonsyndromic hearing loss 28. Last evaluated: 2023-06-22. Review status: criteria provided, single submitter. Criteria: ACMG Guidelines, 2015. Collection method: clinical testing. Allele origin: germline. Inheritance: Autosomal dominant inheritance. Affected: yes.
Comment: The missense c.558C>G (p.Ile186Met) variant in GRHL2 gene has not been reported previously as a pathogenic variant nor as a benign variant, to our knowledge. The p.Ile186Met variant is present with allele frequency of 0.0008% in gnomAD Exomes. This variant has not been submitted to the ClinVar database. Multiple lines of computational evidence (Polyphen - Possibly Damaging, SIFT - Damaging and MutationTaster - Disease causing) predict a damaging effect on protein structure and function for this variant. The reference amino acid at this position on GRHL2 is predicted as conserved by GERP++ and PhyloP across 100 vertebrates. The amino acid Ile at position 186 is changed to a Met changing protein sequence and it might alter its composition and physico-chemical properties. For these reasons, this variant has been classified as a Variant of Uncertain Significance (VUS).